The following is an entry in ClinVar:

ClinVar aggregate classification (germline): Uncertain significance (1 of 4 stars; one submission).

Submission:

GeneDx
Classification: Uncertain significance. Last evaluated: 2026-02-19. Review status: criteria provided, single submitter. Criteria: GeneDx Variant Classification Process June 2021. Collection method: clinical testing. Allele origin: germline.
Comment: Not observed at significant frequency in large population cohorts (gnomAD); In silico analysis suggests that this missense variant does not alter protein structure/function; Has not been previously published as pathogenic or benign to our knowledge

NM_000052.7(ATP7A):c.2905A>G (p.Thr969Ala)

Gene: ATP7A (ATPase copper transporting alpha; plus strand). Cytogenetic location: Xq21.1.
Variant type: single nucleotide variant.
Coding change: c.2905A>G on transcript NM_000052.7 (MANE Select); coding-DNA position 2905, A replaced by G.
Protein change: p.Thr969Ala; replaces threonine 969 with alanine.
Molecular consequence: missense variant.
Genome position (GRCh38, 1-based): chrX:78,021,068, A>G. VCF-style: chrX-78021068-A-G. GRCh37 (hg19) VCF-style: chrX-77276565-A-G.
Other names: c.2671A>G, p.Thr891Ala (NM_001282224.2); short protein forms T891A, T969A.
Identifiers: ClinVar variation 5009634 (VCV005009634.1).